The following is an entry in ClinVar:

NM_001367624.2(ZNF469):c.2661C>T (p.Ser887=)

Gene: ZNF469 (zinc finger protein 469; plus strand). Cytogenetic location: 16q24.2.
Variant type: single nucleotide variant.
Coding change: c.2661C>T on transcript NM_001367624.2 (MANE Select); coding-DNA position 2661, C replaced by T.
Protein change: p.Ser887=; no amino-acid change (serine 887 retained).
Molecular consequence: synonymous variant.
Genome position (GRCh38, 1-based): chr16:88,430,131, C>T. VCF-style: chr16-88430131-C-T. GRCh37 (hg19) VCF-style: chr16-88496539-C-T.
Other names: NM_001127464.1:c.2661C>T.
Identifiers: ClinVar variation 1315289 (VCV001315289.7), dbSNP rs1906033837, ClinGen allele CA497353634.
Genomic context (GRCh38, chr16:88,430,131, plus strand): 5'-CTTCGCGGACGAGGAGCCTTCCGGCCCCAGAGGTCCCAGCTCCGGACACCCCCTTAAGAG[C>T]AAGGCGGGGGTGACTCCAGAGAGCAAAGCTCCGCCCCCGCTCCCAGCAGCCACGCCGGAC-3'
Protein context (NP_001354553.1, residues 877-897): RGPSSGHPLK[Ser887=]KAGVTPESKA

ClinVar aggregate classification (germline): Conflicting classifications of pathogenicity. Review status: criteria provided, conflicting classifications (1 of 4 stars). 3 submissions from 3 submitters: Uncertain significance (1); Likely benign (2). Last evaluated 2026-01-15.

Conditions:
Cardiovascular phenotype. Identifiers: MedGen CN230736.

Allele frequency attached by ClinVar (database versions not stated): gnomAD exomes below 0.00001; gnomAD 0.00001; TOPMed 0.00001.
gnomAD v4.1: 4 of 1,550,094 alleles (0.00026%); highest among the groups gnomAD compares: South Asian, 0.0024%; no homozygotes.

Submissions (3):

Labcorp Genetics (formerly Invitae), Labcorp
Classification: Likely benign. Last evaluated: 2026-01-15. Review status: criteria provided, single submitter. Criteria: Invitae Variant Classification Sherloc (09022015). Collection method: clinical testing. Allele origin: germline.

Ambry Genetics
Classification: Likely benign for Cardiovascular phenotype. Last evaluated: 2020-09-15. Review status: criteria provided, single submitter. Criteria: Ambry Variant Classification Scheme 2023. Collection method: clinical testing. Allele origin: germline.

GeneDx
Classification: Uncertain significance. Last evaluated: 2020-02-04. Review status: criteria provided, single submitter. Criteria: GeneDx Variant Classification Process June 2021. Collection method: clinical testing. Allele origin: germline. Affected: yes.
Comment: Not observed in large population cohorts (Lek et al., 2016); Has not been previously published as pathogenic or benign to our knowledge; In silico analysis, which includes splice predictors and evolutionary conservation, suggests this variant may impact gene splicing. In the absence of RNA/functional studies, the actual effect of this sequence change is unknown.